The following is an entry in ClinVar:

ClinVar aggregate classification (germline): Likely benign (1 of 4 stars; one submission).

Conditions:
NBAS-related disorder. Also called: NBAS-related condition.

gnomAD v4.1: 15 of 1,612,182 alleles (0.00093%); highest among the groups gnomAD compares: African/African-American, 0.0027%; no homozygotes.

Submission:

PreventionGenetics, part of Exact Sciences
Classification: Likely benign for NBAS-related condition. Last evaluated: 2025-03-26. Review status: criteria provided, single submitter. Criteria: ACMG Guidelines, 2015. Collection method: clinical testing. Allele origin: germline.
Comment: This variant is classified as likely benign based on ACMG/AMP sequence variant interpretation guidelines (Richards et al. 2015 PMID: 25741868, with internal and published modifications).

NM_015909.4(NBAS):c.-1C>G

Genes: NBAS (NBAS subunit of NRZ tethering complex; minus strand), LOC129933155 (ATAC-STARR-seq lymphoblastoid active region 15346; plus strand). Cytogenetic location: 2p24.3.
Variant type: single nucleotide variant.
Coding change: c.-1C>G on transcript NM_015909.4 (MANE Select); 1 bases upstream of the start codon, C replaced by G.
Molecular consequence: 5 prime UTR variant. On other transcripts: non-coding transcript variant (1).
Genome position (GRCh38, 1-based): chr2:15,561,305, G>C on the plus strand (C>G on the coding strand, the complement: NBAS is on the minus strand). VCF-style: chr2-15561305-G-C. GRCh37 (hg19) VCF-style: chr2-15701429-G-C.
Identifiers: ClinVar variation 5000397 (VCV005000397.1).